The following is an entry in ClinVar:

NM_001128840.3(CACNA1D):c.5643C>T (p.Pro1881=)

Gene: CACNA1D (calcium voltage-gated channel subunit alpha1 D; plus strand). Cytogenetic location: 3p21.1.
Variant type: single nucleotide variant.
Coding change: c.5643C>T on transcript NM_001128840.3 (MANE Select); coding-DNA position 5643, C replaced by T.
Protein change: p.Pro1881=; no amino-acid change (proline 1881 retained).
Molecular consequence: synonymous variant.
Genome position (GRCh38, 1-based): chr3:53,805,040, C>T. VCF-style: chr3-53805040-C-T. GRCh37 (hg19) VCF-style: chr3-53839067-C-T.
Other names: c.5703C>T, p.Pro1901= (NM_000720.4); c.5571C>T, p.Pro1857= (NM_001128839.3).
Identifiers: ClinVar variation 227203 (VCV000227203.13), dbSNP rs189057793, ClinGen allele CA2455208.

ClinVar aggregate classification (germline): Likely benign. Review status: criteria provided, multiple submitters, no conflicts (2 of 4 stars). 3 submissions from 3 submitters: Likely benign (3). Last evaluated 2026-01-18.

Allele frequency attached by ClinVar (database versions not stated): gnomAD 0.00006 and 0.00009; ExAC 0.00007; TOPMed 0.00014; 1000 Genomes Project 30x 0.00016; 1000 Genomes Project 0.00020; gnomAD exomes 0.00020 and 0.00007; ESP Exome Variant Server 0.00008.
gnomAD v4.1: 321 of 1,614,132 alleles (0.02%); highest among the groups gnomAD compares: Non-Finnish European, 0.025%; no homozygotes.

Submissions (3):

Labcorp Genetics (formerly Invitae), Labcorp
Classification: Likely benign. Last evaluated: 2026-01-18. Review status: criteria provided, single submitter. Criteria: Invitae Variant Classification Sherloc (09022015). Collection method: clinical testing. Allele origin: germline.

Blueprint Genetics
Classification: Likely benign. Last evaluated: 2024-11-14. Review status: criteria provided, single submitter. Criteria: ACMG Guidelines, 2015. Collection method: clinical testing. Allele origin: germline.

Laboratory for Molecular Medicine, Mass General Brigham Personalized Medicine
Classification: Likely benign. Last evaluated: 2016-02-18. Review status: criteria provided, single submitter. Criteria: LMM Criteria. Collection method: clinical testing. Allele origin: germline. Observed: 2 variant alleles.
Comment: p.Pro1901Pro in exon 46 of CACNA1D: This variant is not expected to have clinica l significance because it does not alter an amino acid residue and is not locate d within the splice consensus sequence. It has been identified in 8/66730 Europe an chromosomes by the Exome Aggregation Consortium (ExAC; dbSNP rs189057793).